The following is an entry in ClinVar:

NM_001100427.2(RAP1GDS1):c.1144C>T (p.Leu382=)

Gene: RAP1GDS1 (Rap1 GTPase-GDP dissociation stimulator 1; plus strand). Cytogenetic location: 4q23.
Variant type: single nucleotide variant.
Coding change: c.1144C>T on transcript NM_001100427.2 (MANE Select); coding-DNA position 1144, C replaced by T.
Protein change: p.Leu382=; no amino-acid change (leucine 382 retained).
Molecular consequence: synonymous variant.
Genome position (GRCh38, 1-based): chr4:98,418,761, C>T. VCF-style: chr4-98418761-C-T. GRCh37 (hg19) VCF-style: chr4-99339912-C-T.
Other names: c.1147C>T, p.Leu383= (NM_001100426.2, NM_021159.5); c.1000C>T, p.Leu334= (NM_001100428.2); c.997C>T, p.Leu333= (NM_001100429.2); c.871C>T, p.Leu291= (NM_001100430.2).
Identifiers: ClinVar variation 3042329 (VCV003042329.2), dbSNP rs1266147730, ClinGen allele CA440300793.
Genomic context (GRCh38, chr4:98,418,761, plus strand): 5'-CTTATGGATTTACTGGACAGACATGTAGAAGATGGAAATGTAACAGTACAGCATGCAGCA[C>T]TAAGTGCCCTCAGAAACCTGGCCATTCCAGGTAAGACTTAAGAATAGAAGGCAGCTGTGT-3'
Protein context (NP_001093897.1, residues 372-392): DGNVTVQHAA[Leu382=]SALRNLAIPV

ClinVar aggregate classification (germline): Likely benign (0 of 4 stars; one submission).

Conditions:
RAP1GDS1-related disorder. Also called: RAP1GDS1-related condition.

Allele frequency attached by ClinVar (database versions not stated): gnomAD 0.00001; gnomAD exomes 0.00002.
gnomAD v4.1: 26 of 1,600,082 alleles (0.0016%); highest among the groups gnomAD compares: Middle Eastern, 0.033%; no homozygotes.

Submission:

PreventionGenetics, part of Exact Sciences
Classification: Likely benign for RAP1GDS1-related condition. Last evaluated: 2019-05-15. Review status: no assertion criteria provided. Collection method: clinical testing. Allele origin: germline.
Comment: This variant is classified as likely benign based on ACMG/AMP sequence variant interpretation guidelines (Richards et al. 2015 PMID: 25741868, with internal and published modifications).